The following is an entry in ClinVar:

ClinVar aggregate classification (germline): Pathogenic (1 of 4 stars; one submission).

Submission:

Labcorp Genetics (formerly Invitae), Labcorp
Classification: Pathogenic. Last evaluated: 2023-08-04. Review status: criteria provided, single submitter. Criteria: Invitae Variant Classification Sherloc (09022015). Collection method: clinical testing. Allele origin: germline.
Comment: For these reasons, this variant has been classified as Pathogenic. ClinVar contains an entry for this variant (Variation ID: 1452258). This variant has not been reported in the literature in individuals affected with LTBP2-related conditions. This variant is not present in population databases (gnomAD no frequency). This sequence change creates a premature translational stop signal (p.Ser249Alafs*31) in the LTBP2 gene. It is expected to result in an absent or disrupted protein product. Loss-of-function variants in LTBP2 are known to be pathogenic (PMID: 19361779, 19656777, 22025892).

Literature cited by the submitters: PubMed 19361779; PubMed 19656777; PubMed 22025892.

NM_000428.3(LTBP2):c.744del (p.Ser249fs)

Gene: LTBP2 (latent transforming growth factor beta binding protein 2; minus strand). Cytogenetic location: 14q24.3.
Variant type: Deletion.
Coding change: c.744del on transcript NM_000428.3 (MANE Select); coding-DNA position 744, one base deleted (G; older notation c.744delG).
Protein change: p.Ser249fs; shifts the reading frame from serine 249.
Molecular consequence: frameshift variant.
Genome position (GRCh38, 1-based): chr14:74,585,940, C deleted on the plus strand (G on the coding strand, the reverse complement: LTBP2 is on the minus strand); the first of 2 consecutive C bases (chr14:74,585,940-74,585,941); deleting either gives the same sequence. VCF-style (leftmost placement, unchanged base first): chr14-74585939-TC-T. GRCh37 (hg19) VCF-style: chr14-75052642-TC-T.
Other names: short protein forms S249fs.
Identifiers: ClinVar variation 1452258 (VCV001452258.6), dbSNP rs2139788041, ClinGen allele CA2573150250.